The following is an entry in ClinVar:

ClinVar aggregate classification (germline): Conflicting classifications of pathogenicity. Review status: criteria provided, conflicting classifications (1 of 4 stars). 2 submissions from 2 submitters: Uncertain significance (1); Likely benign (1). Last evaluated 2025-03-22.

gnomAD v4.1: 14 of 1,614,192 alleles (0.00087%); highest among the groups gnomAD compares: Non-Finnish European, 0.0012%; no homozygotes.

Submissions (2):

Ambry Genetics
Classification: Likely benign. Last evaluated: 2025-03-22. Review status: criteria provided, single submitter. Criteria: Ambry Variant Classification Scheme 2023. Collection method: clinical testing. Allele origin: germline.

Labcorp Genetics (formerly Invitae), Labcorp
Classification: Uncertain significance. Last evaluated: 2024-12-04. Review status: criteria provided, single submitter. Criteria: Invitae Variant Classification Sherloc (09022015). Collection method: clinical testing. Allele origin: germline.
Comment: This sequence change replaces methionine, which is neutral and non-polar, with lysine, which is basic and polar, at codon 2495 of the FAT2 protein (p.Met2495Lys). This variant is present in population databases (no rsID available, gnomAD 0.0009%). This variant has not been reported in the literature in individuals affected with FAT2-related conditions. Invitae Evidence Modeling of protein sequence and biophysical properties (such as structural, functional, and spatial information, amino acid conservation, physicochemical variation, residue mobility, and thermodynamic stability) indicates that this missense variant is not expected to disrupt FAT2 protein function with a negative predictive value of 80%. In summary, the available evidence is currently insufficient to determine the role of this variant in disease. Therefore, it has been classified as a Variant of Uncertain Significance.

NM_001447.3(FAT2):c.7484T>A (p.Met2495Lys)

Genes: FAT2 (FAT atypical cadherin 2; minus strand), SLC36A1 (solute carrier family 36 member 1; plus strand). Cytogenetic location: 5q33.1.
Variant type: single nucleotide variant.
Coding change: c.7484T>A on transcript NM_001447.3 (MANE Select); coding-DNA position 7484, T replaced by A.
Protein change: p.Met2495Lys; replaces methionine 2495 with lysine.
Molecular consequence: missense variant.
Genome position (GRCh38, 1-based): chr5:151,543,643, A>T on the plus strand (T>A on the coding strand, the complement: FAT2 is on the minus strand). VCF-style: chr5-151543643-A-T. GRCh37 (hg19) VCF-style: chr5-150923204-A-T.
Other names: c.7484T>A (NM_001447.2); short protein forms M2495K.
Identifiers: ClinVar variation 3706747 (VCV003706747.3).
Genomic context (GRCh38, chr5:151,543,643, plus strand): 5'-GTGCCATAGGGACCACTATCTTTGTCTATGGCTAGCAAATCAATCACCTTGGTTCCAACC[A>T]TTGCATTCTCTGCTAATTCTGCCTCATAAAGGTGCTGCTGGAACTCTGGGCTGTACTTGT-3'
Protein context (NP_001438.1, residues 2485-2505): LYEAELAENA[Met2495Lys]VGTKVIDLLA